The following is an entry in ClinVar:

ClinVar aggregate classification (germline): Uncertain significance. Review status: criteria provided, multiple submitters, no conflicts (2 of 4 stars). 2 submissions from 2 submitters: Uncertain significance (2). Last evaluated 2025-12-21.

Conditions:
Inborn genetic diseases. Identifiers: MedGen C0950123, MeSH D030342.
Immunodeficiency-centromeric instability-facial anomalies syndrome 2 (ICF2). Identifiers: Orphanet 2268, MedGen C3279748, MONDO:0013553, OMIM 614069.

gnomAD v4.1: 19 of 1,614,038 alleles (0.0012%); highest among the groups gnomAD compares: East Asian, 0.0022%; no homozygotes.

Submissions (2):

Labcorp Genetics (formerly Invitae), Labcorp
Classification: Uncertain significance for Immunodeficiency-centromeric instability-facial anomalies syndrome 2. Last evaluated: 2025-12-21. Review status: criteria provided, single submitter. Criteria: Invitae Variant Classification Sherloc (09022015). Collection method: clinical testing. Allele origin: germline.
Comment: This sequence change replaces isoleucine, which is neutral and non-polar, with valine, which is neutral and non-polar, at codon 311 of the ZBTB24 protein (p.Ile311Val). This variant is present in population databases (rs141429160, gnomAD 0.002%). This variant has not been reported in the literature in individuals affected with ZBTB24-related conditions. ClinVar contains an entry for this variant (Variation ID: 3983533). An algorithm developed to predict the effect of missense changes on protein structure and function outputs the following: PolyPhen-2: "Benign". The valine amino acid residue is found in multiple mammalian species, which suggests that this missense change does not adversely affect protein function. In summary, the available evidence is currently insufficient to determine the role of this variant in disease. Therefore, it has been classified as a Variant of Uncertain Significance.

Ambry Genetics
Classification: Uncertain significance for Inborn genetic diseases. Last evaluated: 2025-05-20. Review status: criteria provided, single submitter. Criteria: Ambry Variant Classification Scheme 2023. Collection method: clinical testing. Allele origin: germline.

NM_014797.3(ZBTB24):c.931A>G (p.Ile311Val)

Gene: ZBTB24 (zinc finger and BTB domain containing 24; minus strand). Cytogenetic location: 6q21.
Variant type: single nucleotide variant.
Coding change: c.931A>G on transcript NM_014797.3 (MANE Select); coding-DNA position 931, A replaced by G.
Protein change: p.Ile311Val; replaces isoleucine 311 with valine.
Molecular consequence: missense variant.
Genome position (GRCh38, 1-based): chr6:109,481,096, T>C on the plus strand (A>G on the coding strand, the complement: ZBTB24 is on the minus strand). VCF-style: chr6-109481096-T-C. GRCh37 (hg19) VCF-style: chr6-109802299-T-C.
Other names: c.931A>G, p.Ile311Val (NM_001164313.2); short protein forms I311V.
Identifiers: ClinVar variation 3983533 (VCV003983533.2).